The following is an entry in ClinVar:

ClinVar aggregate classification (germline): Likely benign. Review status: criteria provided, multiple submitters, no conflicts (2 of 4 stars). 3 submissions from 3 submitters: Likely benign (3). Last evaluated 2025-03-29.

Conditions:
MYH9-related disorder. Identifiers: MedGen C1854520.

Allele frequency attached by ClinVar (database versions not stated): ESP Exome Variant Server 0.00008.
gnomAD v4.1: 26 of 1,613,906 alleles (0.0016%); highest among the groups gnomAD compares: South Asian, 0.0055%; 1 homozygote.

Submissions (3):

PreventionGenetics, part of Exact Sciences
Classification: Likely benign for MYH9-related condition. Last evaluated: 2025-03-29. Review status: criteria provided, single submitter. Criteria: ACMG Guidelines, 2015. Collection method: clinical testing. Allele origin: germline.
Comment: This variant is classified as likely benign based on ACMG/AMP sequence variant interpretation guidelines (Richards et al. 2015 PMID: 25741868, with internal and published modifications).

Labcorp Genetics (formerly Invitae), Labcorp
Classification: Likely benign. Last evaluated: 2025-01-20. Review status: criteria provided, single submitter. Criteria: Invitae Variant Classification Sherloc (09022015). Collection method: clinical testing. Allele origin: germline.

Blueprint Genetics
Classification: Likely benign. Last evaluated: 2024-09-07. Review status: criteria provided, single submitter. Criteria: ACMG Guidelines, 2015. Collection method: clinical testing. Allele origin: germline.

NM_002473.6(MYH9):c.1260G>A (p.Ala420=)

Gene: MYH9 (myosin heavy chain 9; minus strand). Cytogenetic location: 22q12.3.
Variant type: single nucleotide variant.
Coding change: c.1260G>A on transcript NM_002473.6 (MANE Select); coding-DNA position 1260, G replaced by A.
Protein change: p.Ala420=; no amino-acid change (alanine 420 retained).
Molecular consequence: synonymous variant.
Genome position (GRCh38, 1-based): chr22:36,316,637, C>T on the plus strand (G>A on the coding strand, the complement: MYH9 is on the minus strand). VCF-style: chr22-36316637-C-T. GRCh37 (hg19) VCF-style: chr22-36712682-C-T.
Identifiers: ClinVar variation 1954750 (VCV001954750.7), dbSNP rs369202401, ClinGen allele CA10210322.